The following is an entry in ClinVar:

ClinVar aggregate classification (germline): Uncertain significance (1 of 4 stars; one submission).

Conditions:
Cataract 36. Identifiers: MedGen C3151304, MONDO:0013484, OMIM 613887.

Allele frequency attached by ClinVar (database versions not stated): TOPMed below 0.00001; ExAC 0.00001; gnomAD exomes 0.00002.
gnomAD v4.1: 5 of 1,614,228 alleles (0.00031%); highest among the groups gnomAD compares: Admixed American, 0.0083%; no homozygotes.

Submission:

Labcorp Genetics (formerly Invitae), Labcorp
Classification: Uncertain significance for Cataract 36. Last evaluated: 2022-11-29. Review status: criteria provided, single submitter. Criteria: Invitae Variant Classification Sherloc (09022015). Collection method: clinical testing. Allele origin: germline.
Comment: This sequence change replaces isoleucine, which is neutral and non-polar, with valine, which is neutral and non-polar, at codon 426 of the TDRD7 protein (p.Ile426Val). This variant is present in population databases (rs766673237, gnomAD 0.01%). This variant has not been reported in the literature in individuals affected with TDRD7-related conditions. ClinVar contains an entry for this variant (Variation ID: 1035583). Algorithms developed to predict the effect of missense changes on protein structure and function output the following: SIFT: "Tolerated"; PolyPhen-2: "Benign"; Align-GVGD: "Class C0". The valine amino acid residue is found in multiple mammalian species, which suggests that this missense change does not adversely affect protein function. In summary, the available evidence is currently insufficient to determine the role of this variant in disease. Therefore, it has been classified as a Variant of Uncertain Significance.

NM_014290.3(TDRD7):c.1276A>G (p.Ile426Val)

Gene: TDRD7 (tudor domain containing 7; plus strand). Cytogenetic location: 9q22.33.
Variant type: single nucleotide variant.
Coding change: c.1276A>G on transcript NM_014290.3 (MANE Select); coding-DNA position 1276, A replaced by G.
Protein change: p.Ile426Val; replaces isoleucine 426 with valine.
Molecular consequence: missense variant.
Genome position (GRCh38, 1-based): chr9:97,460,598, A>G. VCF-style: chr9-97460598-A-G. GRCh37 (hg19) VCF-style: chr9-100222880-A-G.
Other names: c.1054A>G, p.Ile352Val (NM_001302884.2); short protein forms I352V, I426V.
Identifiers: ClinVar variation 1035583 (VCV001035583.9), dbSNP rs766673237, ClinGen allele CA5146627.